The following is an entry in ClinVar:

NM_004004.6(GJB2):c.370C>T (p.Gln124Ter)

Gene: GJB2 (gap junction protein beta 2; minus strand). Cytogenetic location: 13q12.11.
Variant type: single nucleotide variant.
Coding change: c.370C>T on transcript NM_004004.6 (MANE Select); coding-DNA position 370, C replaced by T.
Protein change: p.Gln124Ter; replaces glutamine 124 with a stop codon.
Molecular consequence: nonsense.
Genome position (GRCh38, 1-based): chr13:20,189,212, G>A on the plus strand (C>T on the coding strand, the complement: GJB2 is on the minus strand). VCF-style: chr13-20189212-G-A. GRCh37 (hg19) VCF-style: chr13-20763351-G-A.
Other names: short protein forms Q124*.
Identifiers: ClinVar variation 44744 (VCV000044744.65), dbSNP rs397516874, ClinGen allele CA261645.

ClinVar aggregate classification (germline): Pathogenic. Review status: criteria provided, multiple submitters, no conflicts (2 of 4 stars). 11 submissions from 11 submitters: Pathogenic (9). 2 of the submissions do not count toward it. Last evaluated 2025-12-16.

Conditions:
Rare genetic deafness. Identifiers: Orphanet 96210, MedGen C5680250.
Hearing loss. Identifiers: MedGen C3887873.
Autosomal recessive nonsyndromic hearing loss 1A (DFNB1A). Also called: GJB6-Related DFNB 1 Nonsyndromic Hearing Loss and Deafness; Deafness, autosomal recessive 1A; Nonsyndromic Hearing Loss and Deafness, DFNB1; GJB2-Related Autosomal Recessive Nonsyndromic Hearing Loss; Connexin 26 deafness; Deafness nonsyndromic, Connexin 26 linked. Identifiers: Orphanet 90636, MedGen C2673759, MONDO:0009076, OMIM 220290.

Allele frequency attached by ClinVar (database versions not stated): gnomAD 0.00001; gnomAD exomes 0.00004 and 0.00008; ExAC 0.00010; 1000 Genomes Project 30x 0.00016; 1000 Genomes Project 0.00020.

Submissions (11):

Labcorp Genetics (formerly Invitae), Labcorp
Classification: Pathogenic. Last evaluated: 2025-12-16. Review status: criteria provided, single submitter. Criteria: Invitae Variant Classification Sherloc (09022015). Collection method: clinical testing. Allele origin: germline.
Comment: This sequence change creates a premature translational stop signal (p.Gln124*) in the GJB2 gene. While this is not anticipated to result in nonsense mediated decay, it is expected to disrupt the last 103 amino acid(s) of the GJB2 protein. This variant is present in population databases (rs397516874, gnomAD 0.06%). This premature translational stop signal has been observed in individuals with autosomal recessive nonsyndromic deafness (PMID: 9600457, 24840842, 29921236, 30168495). It has also been observed to segregate with disease in related individuals. ClinVar contains an entry for this variant (Variation ID: 44744). This variant disrupts a region of the GJB2 protein in which other variant(s) (p.Arg216Ilefs*17) have been determined to be pathogenic (PMID: 11102979, 17041943, 17666888, 25288386). This suggests that this is a clinically significant region of the protein, and that variants that disrupt it are likely to be disease-causing. For these reasons, this variant has been classified as Pathogenic.

Women's Health and Genetics/Laboratory Corporation of America, LabCorp
Classification: Pathogenic for Autosomal recessive nonsyndromic hearing loss 1A. Last evaluated: 2025-05-28. Review status: criteria provided, single submitter. Criteria: LabCorp Variant Classification Summary - May 2015. Collection method: clinical testing. Allele origin: germline.
Comment: Variant summary: GJB2 c.370C>T (p.Gln124X) results in a premature termination codon, predicted to cause a truncation of the encoded protein and not involved in nonsense mediated decay. The variant allele was found at a frequency of 8.4e-05 in 250582 control chromosomes (gnomAD). This frequency is not significantly higher than estimated for a pathogenic variant in GJB2 causing Autosomal Recessive Non-Syndromic Hearing Loss (8.4e-05 vs 0.025), allowing no conclusion about variant significance. c.370C>T has been observed in multiple individuals affected with Autosomal Recessive Non-Syndromic Hearing Loss (Scott_1998, Rickard_2001, Mani_2009). These data indicate that the variant is very likely to be associated with disease. To our knowledge, no experimental evidence demonstrating an impact on protein function has been reported. The following publications have been ascertained in the context of this evaluation (PMID: 11439000, 16380907, 18941476, 17666888, 9600457, 16950989, 11494963). ClinVar contains an entry for this variant (Variation ID: 44744). Based on the evidence outlined above, the variant was classified as pathogenic.

Natera, Inc.
Classification: Pathogenic for Autosomal recessive deafness type 1A. Last evaluated: 2025-05-22. Review status: criteria provided, single submitter. Criteria: Natera Variant Classification Schema (03/2026). Collection method: clinical testing. Allele origin: germline.
Comment: The c.370C>T variant in GJB2 is a nonsense variant predicted to introduce a stop codon at amino acid 124. This variant is expected to result in nonsense mediated decay, truncation, or a dysfunctional protein product. This variant is rare in the general population with a frequency below the threshold expected for the associated phenotype(s). This variant has been observed in one or more individuals affected with the associated recessive disease, as either homozygous or compound heterozygous with a second variant (PMID: 31389194). Given the available evidence, this variant is classified as Pathogenic.

GeneDx
Classification: Pathogenic. Last evaluated: 2024-03-15. Review status: criteria provided, single submitter. Criteria: GeneDx Variant Classification Process June 2021. Collection method: clinical testing. Allele origin: germline. Affected: yes.
Comment: Q124X has been described as a common variant in the Indian subcontinent (PMID: 26850479, 30168495); Nonsense variant predicted to result in protein truncation, as the last 103 amino acids are lost, and other loss-of-function variants have been reported downstream in HGMD; This variant is associated with the following publications: (PMID: 22975760, 27481527, 29921236, 30168495, 18941476, 18983339, 24840842, 11494963, 16380907, 9600457, 17666888, 31389194, 20593197, 32681043, 36048236, 26850479)

Athena Diagnostics
Classification: Pathogenic. Last evaluated: 2022-03-22. Review status: criteria provided, single submitter. Criteria: Athena Diagnostics Criteria. Collection method: clinical testing. Allele origin: unknown.
Comment: This variant is expected to result in the loss of a functional protein. The frequency of this variant in the general population is consistent with pathogenicity. This variant has been identified in at least one individual with clinical features associated with this gene. In multiple individuals, this variant has been seen with a single recessive pathogenic variant in the same gene, suggesting this variant may also be pathogenic.

CeGaT Center for Human Genetics Tuebingen
Classification: Pathogenic. Last evaluated: 2020-03-01. Review status: criteria provided, single submitter. Criteria: CeGaT Center For Human Genetics Tuebingen Variant Classification Criteria Version 2. Collection method: clinical testing. Allele origin: germline. Affected: yes. Observed: 1 variant allele.

Laboratory for Molecular Medicine, Mass General Brigham Personalized Medicine
Classification: Pathogenic for Rare genetic deafness. Last evaluated: 2010-06-18. Review status: criteria provided, single submitter. Criteria: LMM Criteria. Collection method: clinical testing. Allele origin: germline. Observed: 1 variant allele.

Baylor-Hopkins Center for Mendelian Genomics, Johns Hopkins University School of Medicine
Classification: Pathogenic for Autosomal recessive nonsyndromic hearing loss 1A. Review status: criteria provided, single submitter. Criteria: ACMG Guidelines, 2015. Collection method: research. Allele origin: unknown. Affected: yes. Observed: 1 variant allele, 1 homozygote.

Neuberg Centre For Genomic Medicine, NCGM
Classification: Pathogenic for Autosomal recessive nonsyndromic hearing loss 1A. Review status: criteria provided, single submitter. Criteria: ACMG Guidelines, 2015. Collection method: clinical testing. Allele origin: germline. Inheritance: Autosomal recessive inheritance. Affected: yes.

Counsyl
Classification: Pathogenic for Deafness, autosomal recessive 1A. Last evaluated: 2014-03-27. Review status: no assertion criteria provided. Collection method: literature only. Allele origin: unknown. Inheritance: Autosomal recessive inheritance. Not counted in ClinVar's aggregate classification.

Clinical Molecular Genetics Laboratory, Johns Hopkins All Children's Hospital
Classification: Pathogenic for Hearing loss. Last evaluated: 2008-09-11. Review status: no assertion criteria provided. Collection method: clinical testing. Allele origin: germline. Affected: yes. Not counted in ClinVar's aggregate classification.

Literature cited by the submitters: PubMed 9600457 (cited by 5 submitters); PubMed 24840842 (cited by Labcorp Genetics (formerly Invitae), Labcorp and Athena Diagnostics); PubMed 29921236 (cited by Labcorp Genetics (formerly Invitae), Labcorp and Athena Diagnostics); PubMed 30168495 (cited by Labcorp Genetics (formerly Invitae), Labcorp and Athena Diagnostics); PubMed 11102979 (cited by Labcorp Genetics (formerly Invitae), Labcorp); PubMed 17041943 (cited by Labcorp Genetics (formerly Invitae), Labcorp); PubMed 17666888 (cited by 5 submitters); PubMed 25288386 (cited by Labcorp Genetics (formerly Invitae), Labcorp); PubMed 11439000 (cited by Women's Health and Genetics/Laboratory Corporation of America, LabCorp); PubMed 16380907 (cited by 4 submitters); PubMed 18941476 (cited by 4 submitters); PubMed 11494963 (cited by 4 submitters); PubMed 16950989 (cited by Women's Health and Genetics/Laboratory Corporation of America, LabCorp); PubMed 31389194 (cited by Natera, Inc.); PubMed 27481527 (cited by Athena Diagnostics); PubMed 18983339 (cited by 3 submitters); PubMed 12833397 (cited by Laboratory for Molecular Medicine, Mass General Brigham Personalized Medicine and Counsyl); PubMed 22975760 (cited by Counsyl).